The following is an entry in ClinVar:

ClinVar aggregate classification (germline): Likely pathogenic (1 of 4 stars; one submission).

Conditions:
Cone dystrophy 4 (COD4). Identifiers: Orphanet 49382, MedGen C2751308, MONDO:0013129, OMIM 613093.

Submission:

Juno Genomics, Hangzhou Juno Genomics, Inc
Classification: Likely pathogenic for Cone dystrophy 4. Review status: criteria provided, single submitter. Criteria: ACMG Guidelines, 2015. Collection method: clinical testing. Allele origin: germline.
Comment: Absent from controls (or at extremely low frequency if recessive) in Genome Aggregation Database.;Null variant in a gene where loss of function (LOF) is a known mechanism of disease.

NM_006204.4(PDE6C):c.882G>A (p.Trp294Ter)

Gene: PDE6C (phosphodiesterase 6C; plus strand). Cytogenetic location: 10q23.33.
Variant type: single nucleotide variant.
Coding change: c.882G>A on transcript NM_006204.4 (MANE Select); coding-DNA position 882, G replaced by A.
Protein change: p.Trp294Ter; replaces tryptophan 294 with a stop codon.
Molecular consequence: nonsense.
Genome position (GRCh38, 1-based): chr10:93,625,592, G>A. VCF-style: chr10-93625592-G-A. GRCh37 (hg19) VCF-style: chr10-95385349-G-A.
Other names: short protein forms W294*.
Identifiers: ClinVar variation 5019488 (VCV005019488.2).